The following is an entry in ClinVar:

NM_000023.4(SGCA):c.502G>A (p.Gly168Arg)

Gene: SGCA (sarcoglycan alpha; plus strand). Cytogenetic location: 17q21.33.
Variant type: single nucleotide variant.
Coding change: c.502G>A on transcript NM_000023.4 (MANE Select); coding-DNA position 502, G replaced by A.
Protein change: p.Gly168Arg; replaces glycine 168 with arginine.
Molecular consequence: missense variant. On other transcripts: non-coding transcript variant (1).
Genome position (GRCh38, 1-based): chr17:50,168,490, G>A. VCF-style: chr17-50168490-G-A. GRCh37 (hg19) VCF-style: chr17-48245851-G-A.
Other names: NM_000023.4(SGCA):c.502G>A; p.Gly168Arg; c.502G>A, p.Gly168Arg (NM_001135697.3); c.502G>A (NM_000023.2); short protein forms G168R.
Identifiers: ClinVar variation 498275 (VCV000498275.23), dbSNP rs199810179, ClinGen allele CA8643815.

ClinVar aggregate classification (germline): Likely pathogenic. Review status: reviewed by expert panel (3 of 4 stars). 11 submissions from 11 submitters: Likely pathogenic (1). 10 of the submissions do not count toward it. Last evaluated 2026-04-29.

Conditions:
Autosomal recessive limb-girdle muscular dystrophy. Identifiers: Orphanet 102015, MedGen C2931907, MONDO:0015152.
Autosomal recessive limb-girdle muscular dystrophy type 2D (LGMDR3). Also called: DUCHENNE-LIKE AUTOSOMAL RECESSIVE MUSCULAR DYSTROPHY, TYPE 2; ADHALINOPATHY, PRIMARY; MUSCULAR DYSTROPHY, LIMB-GIRDLE, AUTOSOMAL RECESSIVE 3. Identifiers: Orphanet 62, MedGen C2936332, MONDO:0011968, OMIM 608099. Disease mechanism: Affects gamma-sarcoglycan and also disrupts the integrity of the entire sarcoglycan complex..

Allele frequency attached by ClinVar (database versions not stated): 1000 Genomes Project 30x 0.00016; ExAC 0.00003; gnomAD 0.00001; 1000 Genomes Project 0.00020.
gnomAD v4.1: 12 of 1,579,924 alleles (0.00076%); highest among the groups gnomAD compares: East Asian, 0.0046%; no homozygotes.

Submissions (11):

ClinGen Limb Girdle Muscular Dystrophy Variant Curation Expert Panel, ClinGen
Classification: Likely pathogenic for Autosomal recessive limb-girdle muscular dystrophy. Last evaluated: 2026-04-29. Review status: reviewed by expert panel. Criteria: ClinGen LGMD VCEP ACMG Specifications SGCA V2.0.0. Collection method: curation. Allele origin: germline. Inheritance: Autosomal recessive inheritance.
Comment: The NM_000023.4: c.502G>A variant in SGCA is a missense variant predicted to cause substitution of glycine by arginine at amino acid 168, p.(Gly168Arg). This variant has been detected in at least three individuals with limb-girdle muscular dystrophy, where it was reported in unconfirmed phase with a likely pathogenic variant in two patients (c.241C>T p.(Arg81Cys), 0.25 pts, PMID: 31268554; c.246C>A p.(Ser82Arg), 0.25 pts, GRASP-LGMD Consortium internal data communication) and in unconfirmed phase with a pathogenic variant in the third patient (c.229C>T p.(Arg77Cys), 0.5 pts, PMID: 39678382) (PM3). At least one of these patients displayed progressive limb girdle muscle weakness (PP4; PMID: 39678382). The Grpmax variant allele frequency in gnomAD v4.1.1 is 0.00004605 (2/43432 East Asian alleles), which is less than the LGMD VCEP threshold for PM2_Supporting. In vitro assay in a heterologous cell system has demonstrated that this variant disrupts membrane localization of the sarcoglycan complex (PS3_Moderate, Washington University internal data). The computational predictor REVEL gives a score of 0.548, which is below the threshold of 0.7 (PP3 not met). In summary, this variant meets criteria to be classified as Likely Pathogenic for autosomal recessive limb girdle muscular dystrophy based on the ACMG/AMP criteria applied, as specified by the ClinGen LGMD VCEP (LGMD VCEP specifications version 2.0.0; 04/29/2026): PM3, PP4, PM2_Supporting, PS3_Moderate.

GeneDx
Classification: Uncertain significance. Last evaluated: 2026-05-26. Review status: criteria provided, single submitter. Criteria: GeneDx Variant Classification Process June 2021. Collection method: clinical testing. Allele origin: germline. Not counted in ClinVar's aggregate classification.
Comment: In silico analysis suggests that this missense variant does not alter protein structure/function; Not observed at significant frequency in large population cohorts (gnomAD); This variant is considered likely pathogenic by a well-established clinical consortium and/or database (ClinGen); This variant is associated with the following publications: (PMID: 39678382, 31268554)

Laboratorio de Genetica e Diagnostico Molecular, Hospital Israelita Albert Einstein
Classification: Uncertain significance for Autosomal recessive limb-girdle muscular dystrophy type 2D. Last evaluated: 2026-02-20. Review status: criteria provided, single submitter. Criteria: ACMG Guidelines, 2015. Collection method: clinical testing. Allele origin: germline. Affected: yes. Not counted in ClinVar's aggregate classification.
Comment: ACMG classification criteria: PM2 supporting, PM3 moderate

3billion
Classification: Uncertain significance for Autosomal recessive limb-girdle muscular dystrophy type 2D. Last evaluated: 2025-11-04. Review status: criteria provided, single submitter. Criteria: ACMG Guidelines, 2015. Collection method: clinical testing. Allele origin: germline. Affected: yes. Not counted in ClinVar's aggregate classification.
Comment: The variant is observed at an extremely low frequency in the gnomAD v4.1.0 dataset (total allele frequency: <0.001%). Predicted Consequence/Location: Missense variant Damaging effect on gene or gene product predicted by in silico programs is uncertain [REVEL: 0.55 (damaging >=0.6, benign <0.4), 3Cnet: 0.04 (damaging >0.75, benign <0.1)]. The variant has been reported as of uncertain significance (ClinVar ID: VCV000498275; PMID: 31268554). Therefore, this variant is classified as VUS according to the recommendation of ACMG/AMP guideline.

Natera, Inc.
Classification: Likely pathogenic for Limb-girdle muscular dystrophy type 2D. Last evaluated: 2025-10-31. Review status: criteria provided, single submitter. Criteria: Natera Variant Classification Schema (03/2026). Collection method: clinical testing. Allele origin: germline. Not counted in ClinVar's aggregate classification.
Comment: The c.502G>A variant in SGCA is a missense variant predicted to cause substitution of glycine to arginine at amino acid 168. This variant is rare in the general population with a frequency below the threshold expected for the associated phenotype(s). This variant has been observed in one or more individuals affected with the associated recessive disease, as either homozygous or compound heterozygous with a second variant (PMID: 31268554). This variant has been identified in one or more affected individual with a phenotype highly consistent with the associated gene (PMID: 31268554). Computational prediction algorithms indicate this variant is likely to affect gene or protein function. Given the available evidence, this variant is classified as Likely Pathogenic.

Women's Health and Genetics/Laboratory Corporation of America, LabCorp
Classification: Uncertain significance. Last evaluated: 2025-06-23. Review status: criteria provided, single submitter. Criteria: LabCorp Variant Classification Summary - May 2015. Collection method: clinical testing. Allele origin: germline. Not counted in ClinVar's aggregate classification.
Comment: Variant summary: SGCA c.502G>A (p.Gly168Arg) results in a non-conservative amino acid change located in the Sarcoglycan alpha/epsilon second domain (IPR048347) of the encoded protein sequence. Algorithms developed to predict the effect of missense changes on protein structure and function all suggest that this variant is likely to be disruptive. The variant allele was found at a frequency of 1.6e-05 in 193088 control chromosomes. c.502G>A has been observed in the compound heterozygous state in individuals affected with Limb-Girdle Muscular Dystrophy, Autosomal Recessive (Winckler_2019, internal data). These data indicate that the variant may be associated with disease. To our knowledge, no experimental evidence demonstrating an impact on protein function has been reported. The following publications have been ascertained in the context of this evaluation (PMID: 31268554). ClinVar contains an entry for this variant (Variation ID: 498275). Based on the evidence outlined above, the variant was classified as VUS-possibly pathogenic.

Labcorp Genetics (formerly Invitae), Labcorp
Classification: Likely pathogenic for Autosomal recessive limb-girdle muscular dystrophy type 2D. Last evaluated: 2025-01-06. Review status: criteria provided, single submitter. Criteria: Invitae Variant Classification Sherloc (09022015). Collection method: clinical testing. Allele origin: germline. Not counted in ClinVar's aggregate classification.
Comment: This sequence change replaces glycine, which is neutral and non-polar, with arginine, which is basic and polar, at codon 168 of the SGCA protein (p.Gly168Arg). The frequency data for this variant in the population databases is considered unreliable, as metrics indicate poor data quality at this position in the gnomAD database. This missense change has been observed in individual(s) with SGCA-related conditions (PMID: 31268554; internal data). In at least one individual the data is consistent with being in trans (on the opposite chromosome) from a pathogenic variant. It has also been observed to segregate with disease in related individuals. ClinVar contains an entry for this variant (Variation ID: 498275). Invitae Evidence Modeling of protein sequence and biophysical properties (such as structural, functional, and spatial information, amino acid conservation, physicochemical variation, residue mobility, and thermodynamic stability) indicates that this missense variant is expected to disrupt SGCA protein function with a positive predictive value of 95%. In summary, the currently available evidence indicates that the variant is pathogenic, but additional data are needed to prove that conclusively. Therefore, this variant has been classified as Likely Pathogenic.

Revvity Omics, Revvity
Classification: Uncertain significance for Autosomal recessive limb-girdle muscular dystrophy type 2D. Last evaluated: 2024-12-27. Review status: criteria provided, single submitter. Criteria: ACMG Guidelines, 2015. Collection method: clinical testing. Allele origin: germline. Not counted in ClinVar's aggregate classification.

Genome-Nilou Lab
Classification: Uncertain significance for Autosomal recessive limb-girdle muscular dystrophy type 2D. Last evaluated: 2023-02-08. Review status: criteria provided, single submitter. Criteria: ACMG Guidelines, 2015. Collection method: clinical testing. Allele origin: germline. Not counted in ClinVar's aggregate classification.

Laboratory of Inherited Metabolic Diseases, Research centre for medical genetics
Classification: Uncertain significance for Autosomal recessive limb-girdle muscular dystrophy type 2D. Last evaluated: 2020-02-11. Review status: criteria provided, single submitter. Criteria: ACMG Guidelines, 2015. Collection method: clinical testing. Allele origin: germline. Inheritance: Autosomal recessive inheritance. Affected: yes. Observed: 1 variant allele. Not counted in ClinVar's aggregate classification.
Comment: found in compound with c.229C>T

Eurofins Ntd Llc (ga)
Classification: Uncertain significance. Last evaluated: 2017-11-21. Review status: criteria provided, single submitter. Criteria: EGL Classification Definitions 2015. Collection method: clinical testing. Allele origin: germline. Observed: 2 variant alleles, 2 heterozygotes. Not counted in ClinVar's aggregate classification.

Literature cited by the submitters: PubMed 31268554 (cited by 3 submitters).